The following is an entry in ClinVar:

ClinVar aggregate classification (germline): Uncertain significance (1 of 4 stars; one submission).

Conditions:
Hereditary cancer-predisposing syndrome. Also called: Neoplastic Syndromes, Hereditary; Tumor predisposition; Hereditary Cancer Syndrome; Hereditary neoplastic syndrome. Identifiers: Orphanet 140162, MedGen C0027672, MeSH D009386, MONDO:0015356.

Submission:

Ambry Genetics
Classification: Uncertain significance for Hereditary cancer-predisposing syndrome. Last evaluated: 2026-05-14. Review status: criteria provided, single submitter. Criteria: Ambry Variant Classification Scheme 2023. Collection method: clinical testing. Allele origin: germline.
Comment: The p.V1215I variant (also known as c.3643G>A), located in coding exon 18 of the BLM gene, results from a G to A substitution at nucleotide position 3643. The valine at codon 1215 is replaced by isoleucine, an amino acid with highly similar properties. This amino acid position is conserved. In addition, this alteration is predicted to be tolerated by in silico analysis. Based on the available evidence, the clinical significance of this variant remains unclear.

NM_000057.4(BLM):c.3643G>A (p.Val1215Ile)

Gene: BLM (BLM RecQ like helicase; plus strand). Cytogenetic location: 15q26.1.
Variant type: single nucleotide variant.
Coding change: c.3643G>A on transcript NM_000057.4 (MANE Select); coding-DNA position 3643, G replaced by A.
Protein change: p.Val1215Ile; replaces valine 1215 with isoleucine.
Molecular consequence: missense variant. On other transcripts: intron variant (1).
Genome position (GRCh38, 1-based): chr15:90,804,251, G>A. VCF-style: chr15-90804251-G-A. GRCh37 (hg19) VCF-style: chr15-91347481-G-A.
Other names: c.3643G>A, p.Val1215Ile (NM_001287246.2); c.2518G>A, p.Val840Ile (NM_001287248.2); c.3359-4886G>A (NM_001287247.2); short protein forms V1215I, V840I.
Identifiers: ClinVar variation 4867506 (VCV004867506.1).